The following is an entry in ClinVar:

NM_032930.3(CFAP300):c.309C>T (p.Cys103=)

Gene: CFAP300 (cilia and flagella associated protein 300; plus strand). Cytogenetic location: 11q22.1.
Variant type: single nucleotide variant.
Coding change: c.309C>T on transcript NM_032930.3 (MANE Select); coding-DNA position 309, C replaced by T.
Protein change: p.Cys103=; no amino-acid change (cysteine 103 retained).
Molecular consequence: synonymous variant. On other transcripts: intron variant (1).
Genome position (GRCh38, 1-based): chr11:102,066,525, C>T. VCF-style: chr11-102066525-C-T. GRCh37 (hg19) VCF-style: chr11-101937256-C-T.
Other names: c.309C>T (NM_032930.2); c.309C>T, p.Cys103= (NM_001363505.2); c.268+7570C>T (NM_001195005.2).
Identifiers: ClinVar variation 1681457 (VCV001681457.10), dbSNP rs143293029, ClinGen allele CA6245973.
Genomic context (GRCh38, chr11:102,066,525, plus strand): 5'-TATAAAATATCTTTTTTCAGGAACTGAAGTGAAAAAAATTGAAGCTATAAATGTTCCTTG[C>T]ACACAGCTTTCAATGTCATTTTTTCATCGGTTATATGATGAAGATATTGTACGAGACAGT-3'
Protein context (NP_116319.2, residues 93-113): VKKIEAINVP[Cys103=]TQLSMSFFHR

ClinVar aggregate classification (germline): Benign. Review status: criteria provided, single submitter (1 of 4 stars). 2 submissions from 2 submitters: Benign (1). 1 of the submissions does not count toward it. Last evaluated 2026-01-12.

Conditions:
CFAP300-related disorder. Also called: CFAP300-related condition.

Allele frequency attached by ClinVar (database versions not stated): gnomAD exomes 0.00006 and 0.00013; ESP Exome Variant Server 0.00046; TOPMed 0.00065; gnomAD 0.00066 and 0.00069; 1000 Genomes Project 0.00080; ExAC 0.00017; 1000 Genomes Project 30x 0.00141.
gnomAD v4.1: 182 of 1,610,612 alleles (0.011%); highest among the groups gnomAD compares: African/African-American, 0.23%; no homozygotes.

Submissions (2):

Labcorp Genetics (formerly Invitae), Labcorp
Classification: Benign. Last evaluated: 2026-01-12. Review status: criteria provided, single submitter. Criteria: Invitae Variant Classification Sherloc (09022015). Collection method: clinical testing. Allele origin: germline.

PreventionGenetics, part of Exact Sciences
Classification: Likely benign for CFAP300-related condition. Last evaluated: 2023-09-16. Review status: no assertion criteria provided. Collection method: clinical testing. Allele origin: germline. Not counted in ClinVar's aggregate classification.
Comment: This variant is classified as likely benign based on ACMG/AMP sequence variant interpretation guidelines (Richards et al. 2015 PMID: 25741868, with internal and published modifications).